The following is an entry in ClinVar:

NM_001379081.2(FREM1):c.1370del (p.Gln457fs)

Gene: FREM1 (FRAS1 related extracellular matrix 1; minus strand). Cytogenetic location: 9p22.3.
Variant type: Deletion.
Coding change: c.1370del on transcript NM_001379081.2 (MANE Select); coding-DNA position 1370, one base deleted (A; older notation c.1370delA).
Protein change: p.Gln457fs; shifts the reading frame from glutamine 457.
Molecular consequence: frameshift variant. On other transcripts: non-coding transcript variant (2).
Genome position (GRCh38, 1-based): chr9:14,845,983, T deleted on the plus strand (A on the coding strand, the reverse complement: FREM1 is on the minus strand). VCF-style (leftmost placement, unchanged base first): chr9-14845982-CT-C. GRCh37 (hg19) VCF-style: chr9-14845980-CT-C.
Other names: c.1370del, p.Gln457fs (NM_144966.7); short protein forms Q457fs.
Identifiers: ClinVar variation 4998761 (VCV004998761.1).

ClinVar aggregate classification (germline): Likely pathogenic (1 of 4 stars; one submission).

Conditions:
FREM1-related disorder. Also called: FREM1-related condition; FREM1-Related Disorders.

Submission:

PreventionGenetics, part of Exact Sciences
Classification: Likely pathogenic for FREM1-related condition. Last evaluated: 2025-07-10. Review status: criteria provided, single submitter. Criteria: ACMG Guidelines, 2015. Collection method: clinical testing. Allele origin: germline.
Comment: The FREM1 c.1370delA variant is predicted to result in a frameshift and premature protein termination (p.Gln457Argfs*5). To our knowledge, this variant has not been reported in the literature or in a large population database (gnomAD), indicating this variant is rare. Frameshift variants in FREM1 are expected to be pathogenic. This variant is interpreted as likely pathogenic.